The following is an entry in ClinVar:

NM_024120.5(NDUFAF5):c.222+8C>G

Gene: NDUFAF5 (NADH:ubiquinone oxidoreductase complex assembly factor 5; plus strand). Cytogenetic location: 20p12.1.
Variant type: single nucleotide variant.
Coding change: c.222+8C>G on transcript NM_024120.5 (MANE Select); 8 bases into the intron after coding-DNA position 222, C replaced by G.
Molecular consequence: intron variant.
Genome position (GRCh38, 1-based): chr20:13,785,298, C>G. VCF-style: chr20-13785298-C-G. GRCh37 (hg19) VCF-style: chr20-13765944-C-G.
Other names: c.-474+8C>G (NM_001352407.2); c.-360+8C>G (NM_001352406.2); c.222+8C>G (NM_001039375.3, NM_001352408.2); c.-146+8C>G (NM_001352403.2).
Identifiers: ClinVar variation 559166 (VCV000559166.25), dbSNP rs113659919, ClinGen allele CA9767617.
Genomic context (GRCh38, chr20:13,785,298, plus strand): 5'-ACTGGGCAGCCCGGCAGCCCGAGCCGACCAAATTTGACTACCTGAAGGAGGAGGTGAGCC[C>G]GCGGGGCGGCGGGGCGGCGGGGCGGGCGACGCGGAGGCTTGTTTTCCTCTCCGCTAGTTC-3'

ClinVar aggregate classification (germline): Benign/Likely benign. Review status: criteria provided, multiple submitters, no conflicts (2 of 4 stars). 7 submissions from 7 submitters: Benign (3); Likely benign (1). 3 of the submissions do not count toward it. Last evaluated 2025-06-04.

Conditions:
NDUFAF5-related disorder. Also called: NDUFAF5-related condition.
Mitochondrial complex I deficiency, nuclear type 16. Also called: Mitochondrial complex 1 deficiency, nuclear type 16. Identifiers: MedGen C4748785, MONDO:0032621, OMIM 618238.
Mitochondrial complex I deficiency. Also called: NADH:Q(1) OXIDOREDUCTASE DEFICIENCY. Identifiers: Orphanet 2609, MedGen C1838979, MeSH C537475, MONDO:0100133.

Allele frequency attached by ClinVar (database versions not stated): gnomAD 0.00006 and 0.00010; gnomAD exomes 0.00155; ExAC 0.00304.
gnomAD v4.1: 348 of 1,040,732 alleles (0.033%); highest among the groups gnomAD compares: South Asian, 0.16%; 1 homozygote.

Submissions (7):

Labcorp Genetics (formerly Invitae), Labcorp
Classification: Benign. Last evaluated: 2025-06-04. Review status: criteria provided, single submitter. Criteria: Invitae Variant Classification Sherloc (09022015). Collection method: clinical testing. Allele origin: germline.

Blueprint Genetics
Classification: Likely benign. Last evaluated: 2024-08-19. Review status: criteria provided, single submitter. Criteria: ACMG Guidelines, 2015. Collection method: clinical testing. Allele origin: germline.

Centre for Mendelian Genomics, University Medical Centre Ljubljana
Classification: Benign for Mitochondrial complex I deficiency, nuclear type 16. Last evaluated: 2018-11-08. Review status: criteria provided, single submitter. Criteria: ACMG Guidelines, 2015. Collection method: clinical testing. Allele origin: unknown. Affected: yes.
Comment: This variant was classified as: Benign. The following ACMG criteria were applied in classifying this variant: BS1,BS2.

GeneDx
Classification: Benign. Last evaluated: 2015-03-03. Review status: criteria provided, single submitter. Criteria: GeneDx Variant Classification Process June 2021. Collection method: clinical testing. Allele origin: germline. Affected: yes.

Natera, Inc.
Classification: Likely benign for Mitochondrial complex I deficiency. Last evaluated: 2020-11-09. Review status: no assertion criteria provided. Collection method: clinical testing. Allele origin: germline. Not counted in ClinVar's aggregate classification.

PreventionGenetics, part of Exact Sciences
Classification: Likely benign for NDUFAF5-related condition. Last evaluated: 2020-03-23. Review status: no assertion criteria provided. Collection method: clinical testing. Allele origin: germline. Not counted in ClinVar's aggregate classification.
Comment: This variant is classified as likely benign based on ACMG/AMP sequence variant interpretation guidelines (Richards et al. 2015 PMID: 25741868, with internal and published modifications).

Mayo Clinic Laboratories, Mayo Clinic
Classification: Likely benign. Last evaluated: 2016-02-19. Review status: no assertion criteria provided. Collection method: clinical testing. Allele origin: unknown. Not counted in ClinVar's aggregate classification.